The following is an entry in ClinVar:

NM_001082486.1(ACD):c.71G>C (p.Trp24Ser)

Genes: ACD (ACD shelterin complex subunit and telomerase recruitment factor; minus strand), LOC130059224 (ATAC-STARR-seq lymphoblastoid silent region 7617; plus strand). Cytogenetic location: 16q22.1.
Variant type: single nucleotide variant.
Coding change: c.71G>C on transcript NM_001082486.1; coding-DNA position 71, G replaced by C.
Protein change: p.Trp24Ser; replaces tryptophan 24 with serine.
Genome position (GRCh38, 1-based): chr16:67,660,408, C>G on the plus strand (G>C on the coding strand, the complement: ACD is on the minus strand). VCF-style: chr16-67660408-C-G. GRCh37 (hg19) VCF-style: chr16-67694311-C-G.
Other names: short protein forms W24S.
Identifiers: ClinVar variation 1757657 (VCV001757657.2), dbSNP rs774278103, ClinGen allele CA8114934.

ClinVar aggregate classification (germline): Uncertain significance (1 of 4 stars; one submission).

Conditions:
Inborn genetic diseases. Identifiers: MedGen C0950123, MeSH D030342.

Allele frequency attached by ClinVar (database versions not stated): gnomAD 0.00008; ExAC 0.00013; TOPMed 0.00006.

Submission:

Ambry Genetics
Classification: Uncertain significance for Inborn genetic diseases. Last evaluated: 2021-07-16. Review status: criteria provided, single submitter. Criteria: Ambry Variant Classification Scheme 2023. Collection method: clinical testing. Allele origin: germline.
Comment: The p.W24S variant (also known as c.71G>C), located in coding exon 1 of the ACD gene, results from a G to C substitution at nucleotide position 71. The tryptophan at codon 24 is replaced by serine, an amino acid with highly dissimilar properties. This amino acid position is conserved. In addition, this alteration is predicted to be tolerated by in silico analysis. Since supporting evidence is limited at this time, the clinical significance of this alteration remains unclear.